The following is an entry in ClinVar:

NM_001854.4(COL11A1):c.1624C>T (p.Pro542Ser)

Gene: COL11A1 (collagen type XI alpha 1 chain; minus strand). Cytogenetic location: 1p21.1.
Variant type: single nucleotide variant.
Coding change: c.1624C>T on transcript NM_001854.4 (MANE Select); coding-DNA position 1624, C replaced by T.
Protein change: p.Pro542Ser; replaces proline 542 with serine.
Molecular consequence: missense variant. On other transcripts: non-coding transcript variant (1).
Genome position (GRCh38, 1-based): chr1:103,012,418, G>A on the plus strand (C>T on the coding strand, the complement: COL11A1 is on the minus strand). VCF-style: chr1-103012418-G-A. GRCh37 (hg19) VCF-style: chr1-103477974-G-A.
Other names: c.1507C>T, p.Pro503Ser (NM_001190709.2); c.1660C>T, p.Pro554Ser (NM_080629.3); c.1276C>T, p.Pro426Ser (NM_080630.4); short protein forms P426S, P554S, P503S, P542S.
Identifiers: ClinVar variation 853325 (VCV000853325.16), dbSNP rs745841296, ClinGen allele CA974915.

ClinVar aggregate classification (germline): Conflicting classifications of pathogenicity. Review status: criteria provided, conflicting classifications (1 of 4 stars). 3 submissions from 3 submitters: Uncertain significance (2); Benign (1). Last evaluated 2025-10-27.

Allele frequency attached by ClinVar (database versions not stated): gnomAD 0.00001; TOPMed 0.00002; ExAC 0.00003; gnomAD exomes 0.00006 and 0.00010.
gnomAD v4.1: 35 of 1,612,640 alleles (0.0022%); highest among the groups gnomAD compares: Admixed American, 0.055%; no homozygotes.

Submissions (3):

Labcorp Genetics (formerly Invitae), Labcorp
Classification: Benign. Last evaluated: 2025-10-27. Review status: criteria provided, single submitter. Criteria: Invitae Variant Classification Sherloc (09022015). Collection method: clinical testing. Allele origin: germline.

GeneDx
Classification: Uncertain significance. Last evaluated: 2025-07-14. Review status: criteria provided, single submitter. Criteria: GeneDx Variant Classification Process June 2021. Collection method: clinical testing. Allele origin: germline. Affected: yes.
Comment: In silico analysis supports that this missense variant has a deleterious effect on protein structure/function; This variant is associated with the following publications: (PMID: 34515852)

Blueprint Genetics
Classification: Uncertain significance. Last evaluated: 2018-06-25. Review status: criteria provided, single submitter. Criteria: ACMG Guidelines, 2015. Collection method: clinical testing. Allele origin: germline.